The following is an entry in ClinVar:

NM_000540.3(RYR1):c.5926C>T (p.Arg1976Cys)

Gene: RYR1 (ryanodine receptor 1; plus strand). Cytogenetic location: 19q13.2.
Variant type: single nucleotide variant.
Coding change: c.5926C>T on transcript NM_000540.3 (MANE Select); coding-DNA position 5926, C replaced by T.
Protein change: p.Arg1976Cys; replaces arginine 1976 with cysteine.
Molecular consequence: missense variant.
Genome position (GRCh38, 1-based): chr19:38,490,187, C>T. VCF-style: chr19-38490187-C-T. GRCh37 (hg19) VCF-style: chr19-38980827-C-T.
Other names: c.5926C>T, p.Arg1976Cys (NM_001042723.2); short protein forms R1976C.
Identifiers: ClinVar variation 423551 (VCV000423551.8), dbSNP rs747644094, ClinGen allele CA16620834.

ClinVar aggregate classification (germline): Uncertain significance. Review status: criteria provided, multiple submitters, no conflicts (2 of 4 stars). 4 submissions from 4 submitters: Uncertain significance (4). Last evaluated 2025-07-03.

Conditions:
RYR1-related disorder. Also called: RYR1-related disorders; RYR1-related condition. Identifiers: MedGen CN239331.
Malignant hyperthermia, susceptibility to, 1 (MHS1). Also called: RYR1-Related Malignant Hyperthermia Susceptibility; Malignant hyperthermia suceptibility 1; Anesthesia related hyperthermia; Malignant hyperpyrexia; Fulminating hyperpyrexia; Pharmacogenic myopathy. Identifiers: Orphanet 423, MedGen C2930980, MONDO:0007783, OMIM 145600.

Allele frequency attached by ClinVar (database versions not stated): gnomAD exomes below 0.00001 and 0.00001.

Submissions (4):

Color Diagnostics, LLC DBA Color Health
Classification: Uncertain significance for Malignant hyperthermia, susceptibility to, 1. Last evaluated: 2025-07-03. Review status: criteria provided, single submitter. Criteria: ACMG Guidelines, 2015. Collection method: clinical testing. Allele origin: germline.
Comment: This missense variant replaces arginine with cysteine at codon 1976 of the RYR1 protein. Computational prediction is inconclusive regarding the impact of this variant on protein structure and function. To our knowledge, functional studies have not been reported for this variant. This variant has been identified in 2/251342 chromosomes in the general population by the Genome Aggregation Database (gnomAD). This variant has not been reported in individuals affected with autosomal dominant malignant hyperthermia in the literature, although it is associated with other phenotype(s) (ClinVar Variation ID: 423551). Due to insufficient evidence, this variant is classified as a Variant of Uncertain Significance.

Labcorp Genetics (formerly Invitae), Labcorp
Classification: Uncertain significance for RYR1-related disorder. Last evaluated: 2024-08-29. Review status: criteria provided, single submitter. Criteria: Invitae Variant Classification Sherloc (09022015). Collection method: clinical testing. Allele origin: germline.
Comment: This sequence change replaces arginine, which is basic and polar, with cysteine, which is neutral and slightly polar, at codon 1976 of the RYR1 protein (p.Arg1976Cys). This variant is present in population databases (no rsID available, gnomAD 0.006%). This missense change has been observed in individual(s) with clinical features of RYR1-related conditions (PMID: 34440373). ClinVar contains an entry for this variant (Variation ID: 423551). Invitae Evidence Modeling of protein sequence and biophysical properties (such as structural, functional, and spatial information, amino acid conservation, physicochemical variation, residue mobility, and thermodynamic stability) has been performed for this missense variant. However, the output from this modeling did not meet the statistical confidence thresholds required to predict the impact of this variant on RYR1 protein function. In summary, the available evidence is currently insufficient to determine the role of this variant in disease. Therefore, it has been classified as a Variant of Uncertain Significance.

Revvity Omics, Revvity
Classification: Uncertain significance. Last evaluated: 2023-06-30. Review status: criteria provided, single submitter. Criteria: ACMG Guidelines, 2015. Collection method: clinical testing. Allele origin: germline.

GeneDx
Classification: Uncertain significance. Last evaluated: 2017-02-20. Review status: criteria provided, single submitter. Criteria: GeneDx Variant Classification (06012015). Collection method: clinical testing. Allele origin: germline. Affected: yes.
Comment: The R1976C variant in the RYR1 gene has not been reported previously as a pathogenic variant, nor as a benign variant, to our knowledge. The R1976C variant is not observed in large population cohorts (Lek et al., 2016; 1000 Genomes Consortium et al., 2015; Exome Variant Server). The R1976C variant is a non-conservative amino acid substitution, which is likely to impact secondary protein structure as these residues differ in polarity, charge, size and/or other properties. This substitution occurs at a position that is conserved across species, and in silico analysis predicts this variant is probably damaging to the protein structure/function. We interpret R1976C as a variant of uncertain significance.

Literature cited by the submitters: PubMed 34440373 (cited by Labcorp Genetics (formerly Invitae), Labcorp).